The following is an entry in ClinVar:

ClinVar aggregate classification (germline): Benign (1 of 4 stars; one submission).

Allele frequency attached by ClinVar (database versions not stated): gnomAD 0.35610 and 0.36216; TOPMed 0.37348; 1000 Genomes Project 0.38718; 1000 Genomes Project 30x 0.39194.

Submission:

GeneDx
Classification: Benign. Last evaluated: 2018-06-18. Review status: criteria provided, single submitter. Criteria: GeneDx Variant Classification (06012015). Collection method: clinical testing. Allele origin: germline. Affected: yes.
Comment: This variant is considered likely benign or benign based on one or more of the following criteria: it is a conservative change, it occurs at a poorly conserved position in the protein, it is predicted to be benign by multiple in silico algorithms, and/or has population frequency not consistent with disease.

NM_001376.5(DYNC1H1):c.11690+239A>G

Gene: DYNC1H1 (dynein cytoplasmic 1 heavy chain 1; plus strand). Cytogenetic location: 14q32.31.
Variant type: single nucleotide variant.
Coding change: c.11690+239A>G on transcript NM_001376.5 (MANE Select); 239 bases into the intron after coding-DNA position 11690, A replaced by G.
Molecular consequence: intron variant.
Genome position (GRCh38, 1-based): chr14:102,039,971, A>G. VCF-style: chr14-102039971-A-G. GRCh37 (hg19) VCF-style: chr14-102506308-A-G.
Identifiers: ClinVar variation 679356 (VCV000679356.1), dbSNP rs8013679, ClinGen allele CA13950815.